The following is an entry in ClinVar:

ClinVar aggregate classification (germline): Likely benign. Review status: criteria provided, multiple submitters, no conflicts (2 of 4 stars). 2 submissions from 2 submitters: Likely benign (2). Last evaluated 2026-06-01.

Conditions:
Deficiency of malonyl-CoA decarboxylase. Also called: Malonic aciduria; MCD deficiency. Identifiers: Orphanet 943, MedGen C0342793, MONDO:0009556, OMIM 248360.

Allele frequency attached by ClinVar (database versions not stated): gnomAD 0.00001; TOPMed 0.00001.

Submissions (2):

CeGaT Center for Human Genetics Tuebingen
Classification: Likely benign. Last evaluated: 2026-06-01. Review status: criteria provided, single submitter. Criteria: CeGaT Center For Human Genetics Tuebingen Variant Classification Criteria Version 2. Collection method: clinical testing. Allele origin: germline. Affected: yes. Observed: 1 variant allele.
Comment: MLYCD: BP4, BP7

Labcorp Genetics (formerly Invitae), Labcorp
Classification: Likely benign for Deficiency of malonyl-CoA decarboxylase. Last evaluated: 2023-07-28. Review status: criteria provided, single submitter. Criteria: Invitae Variant Classification Sherloc (09022015). Collection method: clinical testing. Allele origin: germline.

NM_012213.3(MLYCD):c.483G>C (p.Leu161=)

Genes: MLYCD (malonyl-CoA decarboxylase; plus strand), LOC130059555 (ATAC-STARR-seq lymphoblastoid silent region 7770; plus strand). Cytogenetic location: 16q23.3.
Variant type: single nucleotide variant.
Coding change: c.483G>C on transcript NM_012213.3 (MANE Select); coding-DNA position 483, G replaced by C.
Protein change: p.Leu161=; no amino-acid change (leucine 161 retained).
Molecular consequence: synonymous variant.
Genome position (GRCh38, 1-based): chr16:83,899,627, G>C. VCF-style: chr16-83899627-G-C. GRCh37 (hg19) VCF-style: chr16-83933232-G-C.
Identifiers: ClinVar variation 2993516 (VCV002993516.5), dbSNP rs1380815269, ClinGen allele CA497001743.